The following is an entry in ClinVar:

NM_000492.4(CFTR):c.3718G>A (p.Val1240Met)

Genes: CFTR (CF transmembrane conductance regulator; plus strand), CFTR-AS2 (CFTR antisense RNA 2; minus strand). Cytogenetic location: 7q31.2.
Variant type: single nucleotide variant.
Coding change: c.3718G>A on transcript NM_000492.4 (MANE Select); coding-DNA position 3718, G replaced by A.
Protein change: p.Val1240Met; replaces valine 1240 with methionine.
Molecular consequence: missense variant.
Genome position (GRCh38, 1-based): chr7:117,642,438, G>A. VCF-style: chr7-117642438-G-A. GRCh37 (hg19) VCF-style: chr7-117282492-G-A.
Other names: short protein forms V1240M.
Identifiers: ClinVar variation 3491652 (VCV003491652.2).

ClinVar aggregate classification (germline): Conflicting classifications of pathogenicity. Review status: criteria provided, conflicting classifications (1 of 4 stars). 2 submissions from 2 submitters: Likely pathogenic (1); Uncertain significance (1). Last evaluated 2024-09-04.

Conditions:
Cystic fibrosis (CF). Also called: MUCOVISCIDOSIS. Identifiers: Orphanet 586, MedGen C0010674, MONDO:0009061, OMIM 219700. Disease mechanism: loss of function.

Submissions (2):

Ambry Genetics
Classification: Uncertain significance for Cystic fibrosis. Last evaluated: 2024-09-04. Review status: criteria provided, single submitter. Criteria: Ambry Variant Classification Scheme 2023. Collection method: clinical testing. Allele origin: germline.
Comment: The p.V1240M variant (also known as c.3718G>A) is located in coding exon 23 of the CFTR gene. The valine at codon 1240 is replaced by methionine, an amino acid with highly similar properties. This change occurs in the first base pair of coding exon 23. This amino acid position is well conserved in available vertebrate species. In addition, the in silico prediction for this alteration is inconclusive. Based on the available evidence, the clinical significance of this variant remains unclear.

Kariminejad - Najmabadi Pathology & Genetics Center
Classification: Likely pathogenic for Cystic fibrosis. Review status: criteria provided, single submitter. Criteria: ACMG Guidelines, 2015. Collection method: clinical testing. Allele origin: germline. Affected: no.